The following is an entry in ClinVar:

NM_017514.5(PLXNA3):c.3693G>C (p.Leu1231=)

Gene: PLXNA3 (plexin A3; plus strand). Cytogenetic location: Xq28.
Variant type: single nucleotide variant.
Coding change: c.3693G>C on transcript NM_017514.5 (MANE Select); coding-DNA position 3693, G replaced by C.
Protein change: p.Leu1231=; no amino-acid change (leucine 1231 retained).
Molecular consequence: synonymous variant.
Genome position (GRCh38, 1-based): chrX:154,467,874, G>C. VCF-style: chrX-154467874-G-C. GRCh37 (hg19) VCF-style: chrX-153696217-G-C.
Identifiers: ClinVar variation 3358277 (VCV003358277.1).
Genomic context (GRCh38, chrX:154,467,874, plus strand): 5'-GGCAGAGCGGGCGCTGACCCTACCGGCCATGATGGGGCTGGCGGCGGGGGGTGGGCTCCT[G>C]CTGCTGGCCATCACAGCCGTGCTGGTGGCCTACAAGCGCAAGACTCAGGACGCGGACCGT-3'
Protein context (NP_059984.3, residues 1221-1241): MMGLAAGGGL[Leu1231=]LLAITAVLVA

ClinVar aggregate classification (germline): Likely benign (0 of 4 stars; one submission).

Conditions:
PLXNA3-related disorder. Also called: PLXNA3-related condition.

gnomAD v4.1: 25 of 1,207,372 alleles (0.0021%); highest among the groups gnomAD compares: Non-Finnish European, 0.0028%; no homozygotes.

Submission:

PreventionGenetics, part of Exact Sciences
Classification: Likely benign for PLXNA3-related condition. Last evaluated: 2022-04-14. Review status: no assertion criteria provided. Collection method: clinical testing. Allele origin: germline.
Comment: This variant is classified as likely benign based on ACMG/AMP sequence variant interpretation guidelines (Richards et al. 2015 PMID: 25741868, with internal and published modifications).